The following is an entry in ClinVar:

ClinVar aggregate classification (germline): Uncertain significance. Review status: criteria provided, multiple submitters, no conflicts (2 of 4 stars). 2 submissions from 2 submitters: Uncertain significance (2). Last evaluated 2026-01-05.

gnomAD v4.1: 4 of 1,614,050 alleles (0.00025%); highest among the groups gnomAD compares: Admixed American, 0.005%; no homozygotes.

Submissions (2):

Women's Health and Genetics/Laboratory Corporation of America, LabCorp
Classification: Uncertain significance. Last evaluated: 2026-01-05. Review status: criteria provided, single submitter. Criteria: LabCorp Variant Classification Summary - May 2015. Collection method: clinical testing. Allele origin: germline.
Comment: Variant summary: GBF1 c.2283T>G (p.Ile761Met) results in a conservative amino acid change located in the Sec7 domain (IPR000904) of the encoded protein sequence. Algorithms developed to predict the effect of missense changes on protein structure and function are either unavailable or do not agree on the potential impact of this missense change. The variant allele was found at a frequency of 1.2e-05 in 249444 control chromosomes. The available data on variant occurrences in the general population are insufficient to allow any conclusion about variant significance. To our knowledge, no occurrence of c.2283T>G in individuals affected with GBF1-related conditions and no experimental evidence demonstrating its impact on protein function have been reported. ClinVar contains an entry for this variant (Variation ID: 4262283). Based on the evidence outlined above, the variant was classified as uncertain significance.

Ambry Genetics
Classification: Uncertain significance. Last evaluated: 2025-08-22. Review status: criteria provided, single submitter. Criteria: Ambry Variant Classification Scheme 2023. Collection method: clinical testing. Allele origin: germline.

NM_001377137.1(GBF1):c.2286T>G (p.Ile762Met)

Gene: GBF1 (golgi brefeldin A resistant guanine nucleotide exchange factor 1; plus strand). Cytogenetic location: 10q24.32.
Variant type: single nucleotide variant.
Coding change: c.2286T>G on transcript NM_001377137.1 (MANE Select); coding-DNA position 2286, T replaced by G.
Protein change: p.Ile762Met; replaces isoleucine 762 with methionine.
Molecular consequence: missense variant. On other transcripts: non-coding transcript variant (5).
Genome position (GRCh38, 1-based): chr10:102,365,576, T>G. VCF-style: chr10-102365576-T-G. GRCh37 (hg19) VCF-style: chr10-104125333-T-G.
Other names: c.2286T>G, p.Ile762Met (NM_001199378.2, NM_001391923.1); c.2283T>G, p.Ile761Met (NM_001199379.2, NM_001377141.1, NM_001391924.1 and 4 more transcripts); c.2247T>G, p.Ile749Met (NM_001377138.1, NM_001391925.1); c.1989T>G, p.Ile663Met (NM_001377139.1, NM_001377140.1); c.2382T>G, p.Ile794Met (NM_001391922.1, NM_001411027.1); c.2250T>G, p.Ile750Met (NM_001391926.1); c.2142T>G, p.Ile714Met (NM_001391928.1); c.1905T>G, p.Ile635Met (NM_001391931.1); and 1 more; short protein forms I663M, I714M, I635M, I749M, I750M, I786M, I794M, I761M.
Identifiers: ClinVar variation 4262283 (VCV004262283.2).
Genomic context (GRCh38, chr10:102,365,576, plus strand): 5'-AGAGAACCCTCGGCTGGACAAGAAGATGATTGGAGAGTTTGTGAGTGACCGCAAAAACAT[T>G]GACCTGTTGGAGAGCTTTGTGAGGTGAGGAAGCTGTAAGAAATGTGGGATATAGCCAGGT-3'
Protein context (NP_001364066.1, residues 752-772): IGEFVSDRKN[Ile762Met]DLLESFVSTF